The following is an entry in ClinVar:

ClinVar aggregate classification (germline): Uncertain significance (1 of 4 stars; one submission).

Allele frequency attached by ClinVar (database versions not stated): TOPMed below 0.00001; ExAC 0.00001; gnomAD 0.00001; gnomAD exomes 0.00002.
gnomAD v4.1: 7 of 1,614,086 alleles (0.00043%); highest among the groups gnomAD compares: Admixed American, 0.0067%; no homozygotes.

Submission:

Labcorp Genetics (formerly Invitae), Labcorp
Classification: Uncertain significance. Last evaluated: 2025-07-16. Review status: criteria provided, single submitter. Criteria: Invitae Variant Classification Sherloc (09022015). Collection method: clinical testing. Allele origin: germline.
Comment: This sequence change replaces methionine, which is neutral and non-polar, with valine, which is neutral and non-polar, at codon 245 of the SYT2 protein (p.Met245Val). This variant is present in population databases (rs768497389, gnomAD 0.01%). This variant has not been reported in the literature in individuals affected with SYT2-related conditions. ClinVar contains an entry for this variant (Variation ID: 1421379). Invitae Evidence Modeling of protein sequence and biophysical properties (such as structural, functional, and spatial information, amino acid conservation, physicochemical variation, residue mobility, and thermodynamic stability) indicates that this missense variant is not expected to disrupt SYT2 protein function with a negative predictive value of 80%. In summary, the available evidence is currently insufficient to determine the role of this variant in disease. Therefore, it has been classified as a Variant of Uncertain Significance.

NM_177402.5(SYT2):c.733A>G (p.Met245Val)

Gene: SYT2 (synaptotagmin 2; minus strand). Cytogenetic location: 1q32.1.
Variant type: single nucleotide variant.
Coding change: c.733A>G on transcript NM_177402.5 (MANE Select); coding-DNA position 733, A replaced by G.
Protein change: p.Met245Val; replaces methionine 245 with valine.
Molecular consequence: missense variant.
Genome position (GRCh38, 1-based): chr1:202,601,958, T>C on the plus strand (A>G on the coding strand, the complement: SYT2 is on the minus strand). VCF-style: chr1-202601958-T-C. GRCh37 (hg19) VCF-style: chr1-202571086-T-C.
Other names: c.733A>G, p.Met245Val (NM_001136504.1); short protein forms M245V.
Identifiers: ClinVar variation 1421379 (VCV001421379.7), dbSNP rs768497389, ClinGen allele CA1333703.
Genomic context (GRCh38, chr1:202,601,958, plus strand): 5'-TTTCCCCGCCTTGCAGGTCTCTCCACTCCTCAATGGGCTGGCCGAGGTCCACTGTGTTCA[T>C]AGGCACCTTTACCTCTCCAATGATGTCATGTTTGGAGAAGCGGTCAAAGTCATAGATGGC-3'
Protein context (NP_796376.2, residues 235-255): HDIIGEVKVP[Met245Val]NTVDLGQPIE